The following is an entry in ClinVar:

ClinVar aggregate classification (germline): Conflicting classifications of pathogenicity. Review status: criteria provided, conflicting classifications (1 of 4 stars). 2 submissions from 2 submitters: Uncertain significance (1); Likely benign (1). Last evaluated 2025-09-11.

Conditions:
Inborn genetic diseases. Identifiers: MedGen C0950123, MeSH D030342.

Allele frequency attached by ClinVar (database versions not stated): gnomAD exomes 0.00003 and 0.00002; TOPMed 0.00003; gnomAD 0.00005; ExAC 0.00006; ESP Exome Variant Server 0.00008.
gnomAD v4.1: 33 of 1,613,822 alleles (0.002%); highest among the groups gnomAD compares: Admixed American, 0.0033%; no homozygotes.

Submissions (2):

Ambry Genetics
Classification: Likely benign for Inborn genetic diseases. Last evaluated: 2025-09-11. Review status: criteria provided, single submitter. Criteria: Ambry Variant Classification Scheme 2023. Collection method: clinical testing. Allele origin: germline.

Labcorp Genetics (formerly Invitae), Labcorp
Classification: Uncertain significance. Last evaluated: 2024-12-03. Review status: criteria provided, single submitter. Criteria: Invitae Variant Classification Sherloc (09022015). Collection method: clinical testing. Allele origin: germline.
Comment: This sequence change replaces valine, which is neutral and non-polar, with isoleucine, which is neutral and non-polar, at codon 372 of the ACAN protein (p.Val372Ile). This variant is present in population databases (rs372762081, gnomAD 0.009%). This variant has not been reported in the literature in individuals affected with ACAN-related conditions. ClinVar contains an entry for this variant (Variation ID: 1497995). Invitae Evidence Modeling of protein sequence and biophysical properties (such as structural, functional, and spatial information, amino acid conservation, physicochemical variation, residue mobility, and thermodynamic stability) indicates that this missense variant is not expected to disrupt ACAN protein function with a negative predictive value of 80%. In summary, the available evidence is currently insufficient to determine the role of this variant in disease. Therefore, it has been classified as a Variant of Uncertain Significance.

NM_001369268.1(ACAN):c.1114G>A (p.Val372Ile)

Gene: ACAN (aggrecan; plus strand). Cytogenetic location: 15q26.1.
Variant type: single nucleotide variant.
Coding change: c.1114G>A on transcript NM_001369268.1 (MANE Select); coding-DNA position 1114, G replaced by A.
Protein change: p.Val372Ile; replaces valine 372 with isoleucine.
Molecular consequence: missense variant.
Genome position (GRCh38, 1-based): chr15:88,845,567, G>A. VCF-style: chr15-88845567-G-A. GRCh37 (hg19) VCF-style: chr15-89388798-G-A.
Other names: c.1114G>A, p.Val372Ile (NM_001135.4, NM_013227.4); c.1114G>A (NM_013227.3); short protein forms V372I.
Identifiers: ClinVar variation 1497995 (VCV001497995.7), dbSNP rs372762081, ClinGen allele CA7719471.